The following is an entry in ClinVar:

ClinVar aggregate classification (germline): Likely pathogenic (1 of 4 stars; one submission).

Conditions:
Long QT syndrome (LQTS). Identifiers: MedGen C0023976, MeSH D008133, MONDO:0002442. Disease mechanism: loss of function. Inheritance: Various modes of inheritance.

Submission:

Labcorp Genetics (formerly Invitae), Labcorp
Classification: Likely pathogenic for Long QT syndrome. Last evaluated: 2022-03-19. Review status: criteria provided, single submitter. Criteria: Invitae Variant Classification Sherloc (09022015). Collection method: clinical testing. Allele origin: germline.
Comment: This variant results in a copy number gain of the genomic region encompassing exon(s) 3-10 of the KCNQ1 gene. While the exact position of this variant cannot be determined from the data, sub-genic copy number gains are generally in tandem (PMID: 25640679). This variant is predicted to be out-of-frame, and may result in an absent or disrupted protein product. Loss-of-function variants in KCNQ1 are known to be pathogenic (PMID: 9323054, 19862833). In summary, the currently available evidence indicates that the variant is pathogenic, but additional data are needed to prove that conclusively. Therefore, this variant has been classified as Likely Pathogenic. This variant has not been reported in the literature in individuals affected with KCNQ1-related conditions.

Literature cited by the submitters: PubMed 25640679; PubMed 9323054; PubMed 19862833.

NC_000011.9:g.(?_2591838)_(2610104_?)dup

Gene: KCNQ1 (potassium voltage-gated channel subfamily Q member 1; plus strand). Cytogenetic location: 11p15.5.
Variant type: Duplication.
Identifiers: ClinVar variation 2422602 (VCV002422602.5).